The following is an entry in ClinVar:

NM_005559.4(LAMA1):c.7136A>T (p.Asp2379Val)

Gene: LAMA1 (laminin subunit alpha 1; minus strand). Cytogenetic location: 18p11.31.
Variant type: single nucleotide variant.
Coding change: c.7136A>T on transcript NM_005559.4 (MANE Select); coding-DNA position 7136, A replaced by T.
Protein change: p.Asp2379Val; replaces aspartic acid 2379 with valine.
Molecular consequence: missense variant.
Genome position (GRCh38, 1-based): chr18:6,965,347, T>A on the plus strand (A>T on the coding strand, the complement: LAMA1 is on the minus strand). VCF-style: chr18-6965347-T-A. GRCh37 (hg19) VCF-style: chr18-6965346-T-A.
Other names: short protein forms D2379V.
Identifiers: ClinVar variation 1699745 (VCV001699745.4), dbSNP rs372144286, ClinGen allele CA8881007.

ClinVar aggregate classification (germline): Uncertain significance. Review status: criteria provided, multiple submitters, no conflicts (2 of 4 stars). 2 submissions from 2 submitters: Uncertain significance (2). Last evaluated 2024-04-04.

Conditions:
Ataxia - intellectual disability - oculomotor apraxia - cerebellar cysts syndrome. Also called: Poretti-Boltshauser syndrome. Identifiers: Orphanet 370022, MedGen C4014821, MONDO:0014419, OMIM 615960.

Allele frequency attached by ClinVar (database versions not stated): ESP Exome Variant Server 0.00008; ExAC 0.00001; gnomAD 0.00005.
gnomAD v4.1: 10 of 1,614,104 alleles (0.00062%); highest among the groups gnomAD compares: African/African-American, 0.011%; no homozygotes.

Submissions (2):

Genomic Medicine Center of Excellence, King Faisal Specialist Hospital and Research Centre
Classification: Uncertain significance for Ataxia - intellectual disability - oculomotor apraxia - cerebellar cysts syndrome. Last evaluated: 2024-04-04. Review status: criteria provided, single submitter. Criteria: ACMG Guidelines, 2015. Collection method: clinical testing. Allele origin: germline.

GeneDx
Classification: Uncertain significance. Last evaluated: 2023-12-18. Review status: criteria provided, single submitter. Criteria: GeneDx Variant Classification Process June 2021. Collection method: clinical testing. Allele origin: germline.
Comment: Not observed at significant frequency in large population cohorts (gnomAD); In silico analysis supports that this missense variant has a deleterious effect on protein structure/function; Has not been previously published as pathogenic or benign to our knowledge